The following is an entry in ClinVar:

ClinVar aggregate classification (germline): Uncertain significance (1 of 4 stars; one submission).

Allele frequency attached by ClinVar (database versions not stated): ExAC 0.00001.

Submission:

Ambry Genetics
Classification: Uncertain significance. Last evaluated: 2021-10-25. Review status: criteria provided, single submitter. Criteria: Ambry Variant Classification Scheme 2023. Collection method: clinical testing. Allele origin: germline.
Comment: The p.Q442E variant (also known as c.1324C>G), located in coding exon 8 of the MYOM1 gene, results from a C to G substitution at nucleotide position 1324. The glutamine at codon 442 is replaced by glutamic acid, an amino acid with highly similar properties. This amino acid position is conserved. In addition, this alteration is predicted to be tolerated by in silico analysis. Since supporting evidence is limited at this time, the clinical significance of this alteration remains unclear.

NM_003803.4(MYOM1):c.1324C>G (p.Gln442Glu)

Gene: MYOM1 (myomesin 1; minus strand). Cytogenetic location: 18p11.31.
Variant type: single nucleotide variant.
Coding change: c.1324C>G on transcript NM_003803.4 (MANE Select); coding-DNA position 1324, C replaced by G.
Protein change: p.Gln442Glu; replaces glutamine 442 with glutamic acid.
Molecular consequence: missense variant.
Genome position (GRCh38, 1-based): chr18:3,168,832, G>C on the plus strand (C>G on the coding strand, the complement: MYOM1 is on the minus strand). VCF-style: chr18-3168832-G-C. GRCh37 (hg19) VCF-style: chr18-3168830-G-C.
Other names: c.1324C>G, p.Gln442Glu (NM_019856.2); short protein forms Q442E.
Identifiers: ClinVar variation 1769969 (VCV001769969.2), dbSNP rs772604603, ClinGen allele CA8874990.